The following is an entry in ClinVar:

ClinVar aggregate classification (germline): Uncertain significance (1 of 4 stars; one submission).

Conditions:
Congenital disorder of glycosylation, type Iaa. Also called: Congenital disorder of glycosylation, type 1aa. Identifiers: MedGen C4310727, MONDO:0014904, OMIM 617082.

Submission:

Labcorp Genetics (formerly Invitae), Labcorp
Classification: Uncertain significance for Congenital disorder of glycosylation, type Iaa. Last evaluated: 2023-06-04. Review status: criteria provided, single submitter. Criteria: Invitae Variant Classification Sherloc (09022015). Collection method: clinical testing. Allele origin: germline.
Comment: In summary, the available evidence is currently insufficient to determine the role of this variant in disease. Therefore, it has been classified as a Variant of Uncertain Significance. This sequence change replaces arginine, which is basic and polar, with cysteine, which is neutral and slightly polar, at codon 67 of the NUS1 protein (p.Arg67Cys). Information on the frequency of this variant in the gnomAD database is not available, as this variant may be reported differently in the database. This variant has not been reported in the literature in individuals affected with NUS1-related conditions. ClinVar contains an entry for this variant (Variation ID: 566855). Experimental studies and prediction algorithms are not available or were not evaluated, and the functional significance of this variant is currently unknown.

NM_138459.5(NUS1):c.198_199delinsAT (p.Arg67Cys)

Gene: NUS1 (NUS1 dehydrodolichyl diphosphate synthase subunit; plus strand). Cytogenetic location: 6q22.1.
Variant type: Indel.
Coding change: c.198_199delinsAT on transcript NM_138459.5 (MANE Select); coding-DNA positions 198 to 199, CC replaced by AT.
Protein change: p.Arg67Cys; replaces arginine 67 with cysteine.
Molecular consequence: missense variant.
Genome position (GRCh38, 1-based): chr6:117,675,868-117,675,869, CC replaced by AT. VCF-style: chr6-117675868-CC-AT. GRCh37 (hg19) VCF-style: chr6-117997031-CC-AT.
Other names: short protein forms R67C.
Identifiers: ClinVar variation 566855 (VCV000566855.8), dbSNP rs1562172820, ClinGen allele CA891842690.